The following is an entry in ClinVar:

NM_004341.5(CAD):c.3815C>T (p.Ala1272Val)

Gene: CAD (carbamoyl-phosphate synthetase 2, aspartate transcarbamylase, and dihydroorotase; plus strand). Cytogenetic location: 2p23.3.
Variant type: single nucleotide variant.
Coding change: c.3815C>T on transcript NM_004341.5 (MANE Select); coding-DNA position 3815, C replaced by T.
Protein change: p.Ala1272Val; replaces alanine 1272 with valine.
Molecular consequence: missense variant.
Genome position (GRCh38, 1-based): chr2:27,235,273, C>T. VCF-style: chr2-27235273-C-T. GRCh37 (hg19) VCF-style: chr2-27458141-C-T.
Other names: c.3626C>T, p.Ala1209Val (NM_001306079.2); short protein forms A1209V, A1272V.
Identifiers: ClinVar variation 3365113 (VCV003365113.1).
Genomic context (GRCh38, chr2:27,235,273, plus strand): 5'-TTGGCCCTCTCTCTTCCCTCCCGCCCCTTTAGGTGCCTCAGTTCTCCTTCTCCCGCTTGG[C>T]GGGTGCTGACGTGGTGTTGGGTGTGGAAATGACCAGTACTGGGGAGGTGGCCGGCTTTGG-3'
Protein context (NP_004332.2, residues 1262-1282): KVPQFSFSRL[Ala1272Val]GADVVLGVEM

ClinVar aggregate classification (germline): Uncertain significance (1 of 4 stars; one submission).

gnomAD v4.1: 25 of 1,610,910 alleles (0.0016%); highest among the groups gnomAD compares: South Asian, 0.0033%; no homozygotes.

Submission:

GeneDx
Classification: Uncertain significance. Last evaluated: 2023-12-06. Review status: criteria provided, single submitter. Criteria: GeneDx Variant Classification Process June 2021. Collection method: clinical testing. Allele origin: germline. Affected: yes.
Comment: In silico analysis supports that this missense variant does not alter protein structure/function; Has not been previously published as pathogenic or benign to our knowledge